The following is an entry in ClinVar:

ClinVar aggregate classification (germline): Uncertain significance (1 of 4 stars; one submission).

gnomAD v4.1: 13 of 1,613,724 alleles (0.00081%); highest among the groups gnomAD compares: Middle Eastern, 0.016%; no homozygotes.

Submission:

Labcorp Genetics (formerly Invitae), Labcorp
Classification: Uncertain significance. Last evaluated: 2021-03-19. Review status: criteria provided, single submitter. Criteria: Invitae Variant Classification Sherloc (09022015). Collection method: clinical testing. Allele origin: germline.
Comment: This sequence change replaces alanine with glycine at codon 420 of the P3H2 protein (p.Ala420Gly). The alanine residue is weakly conserved and there is a small physicochemical difference between alanine and glycine. This variant is not present in population databases (ExAC no frequency). This variant has not been reported in the literature in individuals with P3H2-related conditions. In summary, the available evidence is currently insufficient to determine the role of this variant in disease. Therefore, it has been classified as a Variant of Uncertain Significance. Algorithms developed to predict the effect of missense changes on protein structure and function (SIFT, PolyPhen-2, Align-GVGD) all suggest that this variant is likely to be tolerated, but these predictions have not been confirmed by published functional studies and their clinical significance is uncertain.

NM_018192.4(P3H2):c.1259C>G (p.Ala420Gly)

Gene: P3H2 (prolyl 3-hydroxylase 2; minus strand). Cytogenetic location: 3q28.
Variant type: single nucleotide variant.
Coding change: c.1259C>G on transcript NM_018192.4 (MANE Select); coding-DNA position 1259, C replaced by G.
Protein change: p.Ala420Gly; replaces alanine 420 with glycine.
Molecular consequence: missense variant.
Genome position (GRCh38, 1-based): chr3:189,983,111, G>C on the plus strand (C>G on the coding strand, the complement: P3H2 is on the minus strand). VCF-style: chr3-189983111-G-C. GRCh37 (hg19) VCF-style: chr3-189700900-G-C.
Other names: c.716C>G, p.Ala239Gly (NM_001134418.2); short protein forms A239G, A420G.
Identifiers: ClinVar variation 1467930 (VCV001467930.8), dbSNP rs914237737, ClinGen allele CA89726841.